The following is an entry in ClinVar:

ClinVar aggregate classification (germline): Uncertain significance. Review status: criteria provided, multiple submitters, no conflicts (2 of 4 stars). 2 submissions from 2 submitters: Uncertain significance (2). Last evaluated 2024-07-27.

Allele frequency attached by ClinVar (database versions not stated): ExAC 0.00005; gnomAD exomes 0.00005; ESP Exome Variant Server 0.00008.
gnomAD v4.1: 41 of 1,613,778 alleles (0.0025%); highest among the groups gnomAD compares: Admixed American, 0.027%; no homozygotes.

Submissions (2):

Ambry Genetics
Classification: Uncertain significance. Last evaluated: 2024-07-27. Review status: criteria provided, single submitter. Criteria: Ambry Variant Classification Scheme 2023. Collection method: clinical testing. Allele origin: germline.

Labcorp Genetics (formerly Invitae), Labcorp
Classification: Uncertain significance. Last evaluated: 2023-07-06. Review status: criteria provided, single submitter. Criteria: Invitae Variant Classification Sherloc (09022015). Collection method: clinical testing. Allele origin: germline.
Comment: This variant has not been reported in the literature in individuals affected with RPS6KC1-related conditions. In summary, the available evidence is currently insufficient to determine the role of this variant in disease. Therefore, it has been classified as a Variant of Uncertain Significance. An algorithm developed to predict the effect of missense changes on protein structure and function (PolyPhen-2) suggests that this variant is likely to be tolerated. ClinVar contains an entry for this variant (Variation ID: 1446435). This variant is present in population databases (rs376958657, gnomAD 0.03%). This sequence change replaces proline, which is neutral and non-polar, with leucine, which is neutral and non-polar, at codon 232 of the RPS6KC1 protein (p.Pro232Leu).

NM_012424.6(RPS6KC1):c.695C>T (p.Pro232Leu)

Gene: RPS6KC1 (ribosomal protein S6 kinase C1; plus strand). Cytogenetic location: 1q32.3.
Variant type: single nucleotide variant.
Coding change: c.695C>T on transcript NM_012424.6 (MANE Select); coding-DNA position 695, C replaced by T.
Protein change: p.Pro232Leu; replaces proline 232 with leucine.
Molecular consequence: missense variant. On other transcripts: 5 prime UTR variant (13), non-coding transcript variant (3), intron variant (5).
Genome position (GRCh38, 1-based): chr1:213,129,749, C>T. VCF-style: chr1-213129749-C-T. GRCh37 (hg19) VCF-style: chr1-213303092-C-T.
Other names: c.695C>T (NM_012424.3); c.659C>T, p.Pro220Leu (NM_001136138.4); c.152C>T, p.Pro51Leu (NM_001287218.3, NM_001287219.3, NM_001287221.3 and 7 more transcripts); c.-520C>T (NM_001287220.3, NM_001349666.2, NM_001349667.2 and 4 more transcripts); c.695C>T, p.Pro232Leu (NM_001349646.2); c.-593C>T (NM_001349659.2); c.-513C>T (NM_001349660.2, NM_001349661.2, NM_001349662.2); c.-427C>T (NM_001349664.2, NM_001349670.2); and 5 more; short protein forms P220L, P232L, P51L.
Identifiers: ClinVar variation 1446435 (VCV001446435.9), dbSNP rs376958657, ClinGen allele CA1387239.